The following is an entry in ClinVar:

ClinVar aggregate classification (germline): Pathogenic (1 of 4 stars; one submission).

Submission:

Labcorp Genetics (formerly Invitae), Labcorp
Classification: Pathogenic. Last evaluated: 2021-12-15. Review status: criteria provided, single submitter. Criteria: Invitae Variant Classification Sherloc (09022015). Collection method: clinical testing. Allele origin: germline.
Comment: For these reasons, this variant has been classified as Pathogenic. Algorithms developed to predict the effect of sequence changes on RNA splicing suggest that this variant may create or strengthen a splice site. This variant has not been reported in the literature in individuals affected with SLC25A1-related conditions. This variant is not present in population databases (gnomAD no frequency). This sequence change creates a premature translational stop signal (p.Leu177*) in the SLC25A1 gene. It is expected to result in an absent or disrupted protein product. Loss-of-function variants in SLC25A1 are known to be pathogenic (PMID: 23561848).

Literature cited by the submitters: PubMed 23561848.

NM_005984.5(SLC25A1):c.529del (p.Gly176_Leu177insTer)

Gene: SLC25A1 (solute carrier family 25 member 1; minus strand). Cytogenetic location: 22q11.21.
Variant type: Deletion.
Coding change: c.529del on transcript NM_005984.5 (MANE Select); coding-DNA position 529, one base deleted (C; older notation c.529delC).
Protein change: p.Gly176_Leu177insTer.
Molecular consequence: nonsense. On other transcripts: non-coding transcript variant (1).
Genome position (GRCh38, 1-based): chr22:19,176,948, G deleted on the plus strand (C on the coding strand, the reverse complement: SLC25A1 is on the minus strand). VCF-style (leftmost placement, unchanged base first): chr22-19176947-AG-A. GRCh37 (hg19) VCF-style: chr22-19164460-AG-A.
Other names: c.550del, p.Gly183_Leu184insTer (NM_001256534.2); c.220del, p.Gly73_Leu74insTer (NM_001287387.2).
Identifiers: ClinVar variation 2187084 (VCV002187084.4), dbSNP rs2517251814, ClinGen allele CA2580099085.